The following is an entry in ClinVar:

ClinVar aggregate classification (germline): Pathogenic. Review status: reviewed by expert panel (3 of 4 stars). 13 submissions from 13 submitters: Pathogenic (1). 12 of the submissions do not count toward it. Last evaluated 2017-03-17.

Conditions:
CFTR-related disorder (CFTR-RD). Also called: CFTR-related condition; CFTR-related disorders. Identifiers: MedGen C5924204, MONDO:7770004.
Bronchiectasis with or without elevated sweat chloride 1 (BESC1). Also called: Cystic Fibrosis-Like Syndrome. Identifiers: Orphanet 60033, MedGen C2749757, MONDO:0008887, OMIM 211400.
Cystic fibrosis (CF). Also called: MUCOVISCIDOSIS. Identifiers: Orphanet 586, MedGen C0010674, MONDO:0009061, OMIM 219700. Disease mechanism: loss of function.

Allele frequency attached by ClinVar (database versions not stated): gnomAD exomes below 0.00001; ExAC 0.00001.
gnomAD v4.1: 2 of 1,614,104 alleles (0.00012%); highest among the groups gnomAD compares: Non-Finnish European, 0.00017%; no homozygotes.

Submissions (13):

CFTR2
Classification: Pathogenic for Cystic fibrosis. Last evaluated: 2017-03-17. Review status: reviewed by expert panel. Criteria: Sosnay PR et al. (Nat Genet 2013). Collection method: research. Allele origin: germline. Affected: yes. Study: CFTR2.

Labcorp Genetics (formerly Invitae), Labcorp
Classification: Pathogenic for Cystic fibrosis. Last evaluated: 2026-02-03. Review status: criteria provided, single submitter. Criteria: Invitae Variant Classification Sherloc (09022015). Collection method: clinical testing. Allele origin: germline. Not counted in ClinVar's aggregate classification.
Comment: This sequence change creates a premature translational stop signal (p.Leu732*) in the CFTR gene. It is expected to result in an absent or disrupted protein product. Loss-of-function variants in CFTR are known to be pathogenic (PMID: 1695717, 7691345, 9725922). This variant is present in population databases (rs397508350, gnomAD 0.0009%). This premature translational stop signal has been observed in individual(s) with CFTR-related conditions (PMID: 9003508, 23974870). ClinVar contains an entry for this variant (Variation ID: 53451). For these reasons, this variant has been classified as Pathogenic.

Natera, Inc.
Classification: Pathogenic for CFTR-related disorders. Last evaluated: 2024-08-12. Review status: criteria provided, single submitter. Criteria: Natera Variant Classification Schema (03/2026). Collection method: clinical testing. Allele origin: germline. Not counted in ClinVar's aggregate classification.
Comment: The c.2195T>G variant in CFTR is a nonsense variant predicted to introduce a stop codon at amino acid 732. This variant is expected to result in nonsense mediated decay, truncation, or a dysfunctional protein product. This variant is rare in the general population with a frequency below the threshold expected for the associated phenotype(s). This variant has been observed in one or more individuals affected with the associated recessive disease, as either homozygous or compound heterozygous with a second variant (PMID: 25910067). Given the available evidence, this variant is classified as Pathogenic.

Ambry Genetics
Classification: Pathogenic for Cystic fibrosis. Last evaluated: 2024-01-26. Review status: criteria provided, single submitter. Criteria: Ambry Variant Classification Scheme 2023. Collection method: clinical testing. Allele origin: germline. Not counted in ClinVar's aggregate classification.
Comment: The p.L732* pathogenic mutation (also known as c.2195T>G), located in coding exon 14 of the CFTR gene, results from a T to G substitution at nucleotide position 2195. This changes the amino acid from a leucine to a stop codon within coding exon 14. In one study, this mutation was reported in an individual with congenital bilateral absence of the vas deferens (CBAVD), recurrent bronchitis, and a few gastrointestinal issues in conjunction with a 5T allele (Kanavakis E et al. Mol Hum Reprod, 1998 Apr;4:333-7). In another study, this mutation was seen along with a second CFTR variant in an individual with failure to thrive, chronic cough, chronic sinusitis, and elevated sweat chloride levels (McGinniss MJ et al. Hum Genet, 2005 Dec;118:331-8). This variant is assoicated with elevated sweat chloride levels, pancreatic insufficiency, and decreased lung function (Sosnay PR et al. Nat Genet, 2013 Oct;45:1160-7). In addition to the clinical data presented in the literature, this alteration is expected to result in loss of function by premature protein truncation or nonsense-mediated mRNA decay. As such, this alteration is interpreted as a disease-causing mutation.

Mayo Clinic Laboratories, Mayo Clinic
Classification: Pathogenic. Last evaluated: 2023-12-27. Review status: criteria provided, single submitter. Criteria: ACMG Guidelines, 2015. Collection method: clinical testing. Allele origin: germline. Not counted in ClinVar's aggregate classification.
Comment: PP4, PP5, PM2_moderate, PM3_very_strong, PVS1

Baylor Genetics
Classification: Pathogenic for Bronchiectasis with or without elevated sweat chloride 1. Last evaluated: 2023-01-29. Review status: criteria provided, single submitter. Criteria: ACMG Guidelines, 2015. Collection method: clinical testing. Allele origin: unknown. Not counted in ClinVar's aggregate classification.

Mendelics
Classification: Pathogenic for Cystic fibrosis. Last evaluated: 2018-11-05. Review status: criteria provided, single submitter. Criteria: Mendelics Assertion Criteria 2017. Collection method: clinical testing. Allele origin: unknown. Affected: yes. Not counted in ClinVar's aggregate classification.

Clinical Genetics and Genomics, Karolinska University Hospital
Classification: Pathogenic. Last evaluated: 2018-07-13. Review status: criteria provided, single submitter. Criteria: ACMG Guidelines, 2015. Collection method: clinical testing. Allele origin: germline. Affected: yes. Observed: 1 variant allele. Not counted in ClinVar's aggregate classification.

CFTR-France
Classification: Pathogenic for cystic fibrosis. Last evaluated: 2018-01-29. Review status: criteria provided, single submitter. Criteria: Claustres M et al. (Hum Mutat 2017). Collection method: curation. Allele origin: germline. Affected: yes. Not counted in ClinVar's aggregate classification.

Women's Health and Genetics/Laboratory Corporation of America, LabCorp
Classification: Pathogenic for Cystic fibrosis. Last evaluated: 2016-06-25. Review status: criteria provided, single submitter. Criteria: LabCorp Variant Classification Summary - May 2015. Collection method: clinical testing. Allele origin: germline. Not counted in ClinVar's aggregate classification.
Comment: Variant summary: The CFTR c.2195T>G (p.Leu732X) variant results in a premature termination codon, predicted to cause a truncated or absent CFTR protein due to nonsense mediated decay, which are commonly known mechanisms for disease. A truncation of this variant at Leu732 would eliminate part of the CFTR regulator domain, the N terminal transmembrane domain, the AAA+ ATPase domain, and the P-loop NTPase fold domain. Consequently, one in silico tool predicts a damaging outcome for this variant. This variant was found in 1/120718 control chromosomes at a frequency of 0.0000083, which does not exceed the estimated maximal expected allele frequency of a pathogenic CFTR variant (0.0129603). It was reported in many CF patients with at least one patient being homozygous for the variant, indicating pathogenicity. Furthermore, truncations downstream of this position have been classified as pathogenic by our laboratory (e.g. p.Trp1089X, p.Tyr1092X). Additionally, at least one database classified the variant as pathogenic/CF-causing. Taken together, this variant is classified as pathogenic.

Counsyl
Classification: Pathogenic for Cystic fibrosis. Last evaluated: 2015-07-28. Review status: no assertion criteria provided. Collection method: clinical testing. Allele origin: unknown. Not counted in ClinVar's aggregate classification.

Clinical Genetics DNA and cytogenetics Diagnostics Lab, Erasmus MC, Erasmus Medical Center
Classification: Pathogenic. Review status: no assertion criteria provided. Collection method: clinical testing. Allele origin: germline. Affected: yes. Study: VKGL Data-share Consensus. Not counted in ClinVar's aggregate classification.

Diagnostic Laboratory, Department of Genetics, University Medical Center Groningen
Classification: Pathogenic. Review status: no assertion criteria provided. Collection method: clinical testing. Allele origin: germline. Affected: yes. Study: VKGL Data-share Consensus. Not counted in ClinVar's aggregate classification.

Literature cited by the submitters: PubMed 1695717 (cited by Labcorp Genetics (formerly Invitae), Labcorp); PubMed 7691345 (cited by Labcorp Genetics (formerly Invitae), Labcorp); PubMed 9725922 (cited by Labcorp Genetics (formerly Invitae), Labcorp); PubMed 9003508 (cited by Labcorp Genetics (formerly Invitae), Labcorp); PubMed 23974870 (cited by 4 submitters); PubMed 25910067 (cited by Natera, Inc. and Women's Health and Genetics/Laboratory Corporation of America, LabCorp); PubMed 16189704 (cited by Ambry Genetics and Women's Health and Genetics/Laboratory Corporation of America, LabCorp); PubMed 9620832 (cited by Ambry Genetics and Women's Health and Genetics/Laboratory Corporation of America, LabCorp); PubMed 18373402 (cited by Women's Health and Genetics/Laboratory Corporation of America, LabCorp); PubMed 10923036 (cited by Women's Health and Genetics/Laboratory Corporation of America, LabCorp); PubMed 17850636 (cited by Women's Health and Genetics/Laboratory Corporation of America, LabCorp); PubMed 24586523 (cited by Counsyl).

NM_000492.4(CFTR):c.2195T>G (p.Leu732Ter)

Gene: CFTR (CF transmembrane conductance regulator; plus strand). Cytogenetic location: 7q31.2.
Variant type: single nucleotide variant.
Coding change: c.2195T>G on transcript NM_000492.4 (MANE Select); coding-DNA position 2195, T replaced by G.
Protein change: p.Leu732Ter; replaces leucine 732 with a stop codon.
Molecular consequence: nonsense.
Genome position (GRCh38, 1-based): chr7:117,592,362, T>G. VCF-style: chr7-117592362-T-G. GRCh37 (hg19) VCF-style: chr7-117232416-T-G.
Other names: p.Leu732*; short protein forms L732*.
Identifiers: ClinVar variation 53451 (VCV000053451.23), dbSNP rs397508350, ClinGen allele CA328095.
Genomic context (GRCh38, chr7:117,592,362, plus strand): 5'-CCATTGTGCAAAAGACTCCCTTACAAATGAATGGCATCGAAGAGGATTCTGATGAGCCTT[T>G]AGAGAGAAGGCTGTCCTTAGTACCAGATTCTGAGCAGGGAGAGGCGATACTGCCTCGCAT-3'